The following is an entry in ClinVar:

NM_001025356.3(ANO6):c.2029G>A (p.Val677Ile)

Gene: ANO6 (anoctamin 6; plus strand). Cytogenetic location: 12q12.
Variant type: single nucleotide variant.
Coding change: c.2029G>A on transcript NM_001025356.3 (MANE Select); coding-DNA position 2029, G replaced by A.
Protein change: p.Val677Ile; replaces valine 677 with isoleucine.
Molecular consequence: missense variant.
Genome position (GRCh38, 1-based): chr12:45,416,716, G>A. VCF-style: chr12-45416716-G-A. GRCh37 (hg19) VCF-style: chr12-45810499-G-A.
Other names: p.Val677Ile; c.1975G>A, p.Val659Ile (NM_001142678.2); c.2029G>A, p.Val677Ile (NM_001142679.2); c.2092G>A, p.Val698Ile (NM_001204803.2); c.1996G>A, p.Val666Ile (NM_001410973.1); c.2029G>A (NM_001025356.2); short protein forms V659I, V666I, V677I, V698I.
Identifiers: ClinVar variation 3619583 (VCV003619583.3).

ClinVar aggregate classification (germline): Uncertain significance. Review status: criteria provided, multiple submitters, no conflicts (2 of 4 stars). 3 submissions from 3 submitters: Uncertain significance (3). Last evaluated 2025-12-11.

Conditions:
Inborn genetic diseases. Identifiers: MedGen C0950123, MeSH D030342.

gnomAD v4.1: 69 of 1,613,868 alleles (0.0043%); highest among the groups gnomAD compares: South Asian, 0.032%; 1 homozygote.

Submissions (3):

Ambry Genetics
Classification: Uncertain significance for Inborn genetic diseases. Last evaluated: 2025-12-11. Review status: criteria provided, single submitter. Criteria: Ambry Variant Classification Scheme 2023. Collection method: clinical testing. Allele origin: germline.

Mayo Clinic Laboratories, Mayo Clinic
Classification: Uncertain significance. Last evaluated: 2025-10-03. Review status: criteria provided, single submitter. Criteria: ACMG Guidelines, 2015. Collection method: clinical testing. Allele origin: germline. Observed: 1 variant allele.
Comment: BP4_moderate

Labcorp Genetics (formerly Invitae), Labcorp
Classification: Uncertain significance. Last evaluated: 2025-02-16. Review status: criteria provided, single submitter. Criteria: Invitae Variant Classification Sherloc (09022015). Collection method: clinical testing. Allele origin: germline.
Comment: This sequence change replaces valine, which is neutral and non-polar, with isoleucine, which is neutral and non-polar, at codon 677 of the ANO6 protein (p.Val677Ile). This variant is present in population databases (rs761048570, gnomAD 0.04%). This variant has not been reported in the literature in individuals affected with ANO6-related conditions. Invitae Evidence Modeling of protein sequence and biophysical properties (such as structural, functional, and spatial information, amino acid conservation, physicochemical variation, residue mobility, and thermodynamic stability) indicates that this missense variant is not expected to disrupt ANO6 protein function with a negative predictive value of 80%. In summary, the available evidence is currently insufficient to determine the role of this variant in disease. Therefore, it has been classified as a Variant of Uncertain Significance.